The following is an entry in ClinVar:

ClinVar aggregate classification (germline): Uncertain significance (1 of 4 stars; one submission).

Conditions:
Long QT syndrome (LQTS). Identifiers: MedGen C0023976, MeSH D008133, MONDO:0002442. Disease mechanism: loss of function. Inheritance: Various modes of inheritance.

gnomAD v4.1: 11 of 1,614,126 alleles (0.00068%); highest among the groups gnomAD compares: South Asian, 0.012%; no homozygotes.

Submission:

Labcorp Genetics (formerly Invitae), Labcorp
Classification: Uncertain significance for Long QT syndrome. Last evaluated: 2024-04-17. Review status: criteria provided, single submitter. Criteria: Invitae Variant Classification Sherloc (09022015). Collection method: clinical testing. Allele origin: germline.
Comment: This sequence change replaces alanine, which is neutral and non-polar, with serine, which is neutral and polar, at codon 2062 of the ANK2 protein (p.Ala2062Ser). This variant is present in population databases (rs749959288, gnomAD 0.01%). This variant has not been reported in the literature in individuals affected with ANK2-related conditions. Algorithms developed to predict the effect of missense changes on protein structure and function output the following: SIFT: "Not Available"; PolyPhen-2: "Benign"; Align-GVGD: "Not Available". The serine amino acid residue is found in multiple mammalian species, which suggests that this missense change does not adversely affect protein function. In summary, the available evidence is currently insufficient to determine the role of this variant in disease. Therefore, it has been classified as a Variant of Uncertain Significance.

NM_001148.6(ANK2):c.6184G>T (p.Ala2062Ser)

Genes: ANK2 (ankyrin 2; plus strand), LOC126807136 (MED14-independent group 3 enhancer GRCh37_chr4:114274931-114276130; plus strand). Cytogenetic location: 4q26.
Variant type: single nucleotide variant.
Coding change: c.6184G>T on transcript NM_001148.6 (MANE Select); coding-DNA position 6184, G replaced by T.
Protein change: p.Ala2062Ser; replaces alanine 2062 with serine.
Molecular consequence: missense variant. On other transcripts: intron variant (68).
Genome position (GRCh38, 1-based): chr4:113,354,802, G>T. VCF-style: chr4-113354802-G-T. GRCh37 (hg19) VCF-style: chr4-114275958-G-T.
Other names: c.5950G>T, p.Ala1984Ser (NM_001386142.1); c.2584G>T, p.Ala862Ser (NM_001386166.1); c.6325G>T, p.Ala2109Ser (NM_001386174.1); c.6301G>T, p.Ala2101Ser (NM_001386175.1); c.4411+4553G>T (NM_001386186.2, NM_001386148.2); c.4213+4553G>T (NM_001354269.3); c.4291+4553G>T (NM_001386187.2); c.4252+4553G>T (NM_001386147.1); and 35 more; short protein forms A2062S, A2109S, A2101S, A1984S, A862S.
Identifiers: ClinVar variation 3688386 (VCV003688386.2).